The following is an entry in ClinVar:

NM_001482.3(GATM):c.1183A>G (p.Ile395Val)

Gene: GATM (glycine amidinotransferase; minus strand). Cytogenetic location: 15q21.1.
Variant type: single nucleotide variant.
Coding change: c.1183A>G on transcript NM_001482.3 (MANE Select); coding-DNA position 1183, A replaced by G.
Protein change: p.Ile395Val; replaces isoleucine 395 with valine.
Molecular consequence: missense variant.
Genome position (GRCh38, 1-based): chr15:45,362,198, T>C on the plus strand (A>G on the coding strand, the complement: GATM is on the minus strand). VCF-style: chr15-45362198-T-C. GRCh37 (hg19) VCF-style: chr15-45654396-T-C.
Other names: c.796A>G, p.Ile266Val (NM_001321015.2); short protein forms I266V, I395V.
Identifiers: ClinVar variation 2632315 (VCV002632315.1), dbSNP rs2541981228, ClinGen allele CA392254995.

ClinVar aggregate classification (germline): Uncertain significance (1 of 4 stars; one submission).

Conditions:
GATM-related disorder. Also called: GATM-related condition.

Submission:

PreventionGenetics, part of Exact Sciences
Classification: Uncertain significance for GATM-related condition. Last evaluated: 2023-06-13. Review status: criteria provided, single submitter. Criteria: ACMG Guidelines, 2015. Collection method: clinical testing. Allele origin: germline.
Comment: The GATM c.1183A>G variant is predicted to result in the amino acid substitution p.Ile395Val. To our knowledge, this variant has not been reported in the literature or in a large population database, indicating this variant is rare. At this time, the clinical significance of this variant is uncertain due to the absence of conclusive functional and genetic evidence.